The following is an entry in ClinVar:

NM_017849.4(TMEM127):c.334C>T (p.Leu112Phe)

Gene: TMEM127 (transmembrane protein 127; minus strand). Cytogenetic location: 2q11.2.
Variant type: single nucleotide variant.
Coding change: c.334C>T on transcript NM_017849.4 (MANE Select); coding-DNA position 334, C replaced by T.
Protein change: p.Leu112Phe; replaces leucine 112 with phenylalanine.
Molecular consequence: missense variant.
Genome position (GRCh38, 1-based): chr2:96,254,908, G>A on the plus strand (C>T on the coding strand, the complement: TMEM127 is on the minus strand). VCF-style: chr2-96254908-G-A. GRCh37 (hg19) VCF-style: chr2-96920646-G-A.
Other names: c.334C>T, p.Leu112Phe (NM_001193304.3); c.82C>T, p.Leu28Phe (NM_001407282.1, NM_001407283.1); short protein forms L112F, L28F.
Identifiers: ClinVar variation 3227073 (VCV003227073.1), dbSNP rs762639740, ClinGen allele CA1777348.

ClinVar aggregate classification (germline): Uncertain significance (1 of 4 stars; one submission).

Conditions:
Hereditary cancer-predisposing syndrome. Also called: Neoplastic Syndromes, Hereditary; Tumor predisposition; Hereditary neoplastic syndrome; Hereditary Cancer Syndrome. Identifiers: Orphanet 140162, MedGen C0027672, MeSH D009386, MONDO:0015356.

Allele frequency attached by ClinVar (database versions not stated): gnomAD exomes below 0.00001; ExAC 0.00001.
gnomAD v4.1: 2 of 1,614,178 alleles (0.00012%); highest among the groups gnomAD compares: African/African-American, 0.0013%; no homozygotes.

Submission:

Ambry Genetics
Classification: Uncertain significance for Hereditary cancer-predisposing syndrome. Last evaluated: 2023-10-08. Review status: criteria provided, single submitter. Criteria: Ambry Variant Classification Scheme 2023. Collection method: clinical testing. Allele origin: germline.
Comment: The p.L112F variant (also known as c.334C>T), located in coding exon 2 of the TMEM127 gene, results from a C to T substitution at nucleotide position 334. The leucine at codon 112 is replaced by phenylalanine, an amino acid with highly similar properties. This amino acid position is conserved. In addition, this alteration is predicted to be deleterious by in silico analysis. Since supporting evidence is limited at this time, the clinical significance of this alteration remains unclear.